The following is an entry in ClinVar:

ClinVar aggregate classification (germline): Uncertain significance (1 of 4 stars; one submission).

Conditions:
Lethal congenital glycogen storage disease of heart. Also called: GLYCOGEN STORAGE DISEASE OF HEART; PHOSPHORYLASE KINASE DEFICIENCY OF HEART. Identifiers: Orphanet 439854, MedGen C1849813, MONDO:0009867, OMIM 261740.

Submission:

Labcorp Genetics (formerly Invitae), Labcorp
Classification: Uncertain significance for Lethal congenital glycogen storage disease of heart. Last evaluated: 2025-09-03. Review status: criteria provided, single submitter. Criteria: Invitae Variant Classification Sherloc (09022015). Collection method: clinical testing. Allele origin: germline.
Comment: This sequence change replaces proline, which is neutral and non-polar, with threonine, which is neutral and polar, at codon 305 of the PRKAG2 protein (p.Pro305Thr). This variant is not present in population databases (gnomAD no frequency). This variant has not been reported in the literature in individuals affected with PRKAG2-related conditions. Invitae Evidence Modeling of protein sequence and biophysical properties (such as structural, functional, and spatial information, amino acid conservation, physicochemical variation, residue mobility, and thermodynamic stability) indicates that this missense variant is expected to disrupt PRKAG2 protein function with a positive predictive value of 95%. In summary, the available evidence is currently insufficient to determine the role of this variant in disease. Therefore, it has been classified as a Variant of Uncertain Significance.

NM_016203.4(PRKAG2):c.913C>A (p.Pro305Thr)

Gene: PRKAG2 (protein kinase AMP-activated non-catalytic subunit gamma 2; minus strand). Cytogenetic location: 7q36.1.
Variant type: single nucleotide variant.
Coding change: c.913C>A on transcript NM_016203.4 (MANE Select); coding-DNA position 913, C replaced by A.
Protein change: p.Pro305Thr; replaces proline 305 with threonine.
Molecular consequence: missense variant.
Genome position (GRCh38, 1-based): chr7:151,576,404, G>T on the plus strand (C>A on the coding strand, the complement: PRKAG2 is on the minus strand). VCF-style: chr7-151576404-G-T. GRCh37 (hg19) VCF-style: chr7-151273490-G-T.
Other names: c.781C>A, p.Pro261Thr (NM_001040633.2, NM_001407024.1); c.538C>A, p.Pro180Thr (NM_001304527.2, NM_001407029.1); c.190C>A, p.Pro64Thr (NM_001304531.2, NM_001407034.1, NM_001407035.1 and 1 more transcripts); c.541C>A, p.Pro181Thr (NM_001363698.2, NM_001407028.1); c.913C>A, p.Pro305Thr (NM_001407021.1); c.910C>A, p.Pro304Thr (NM_001407022.1, NM_001407023.1); c.778C>A, p.Pro260Thr (NM_001407026.1, NM_001407027.1); c.625C>A, p.Pro209Thr (NM_001407030.1); and 6 more; short protein forms P180T, P181T, P197T, P199T, P208T, P209T, P260T, P261T.
Identifiers: ClinVar variation 4802507 (VCV004802507.1).
Genomic context (GRCh38, chr7:151,576,404, plus strand): 5'-GATTTTCCTCAGGCCCACACTGCTTACCTACAAAACTTTGTTTTTTACTCTCCCACAGTG[G>T]CGCTGCTCGGACACCGTTGGCTACCAAAGCAAAGAAGGCCTTTTTAACCTGAAGAAAAAG-3'
Protein context (NP_057287.2, residues 295-315): ALVANGVRAA[Pro305Thr]LWESKKQSFV